The following is an entry in ClinVar:

NM_000051.4(ATM):c.4087del (p.Thr1363fs)

Gene: ATM (ATM serine/threonine kinase; plus strand). Cytogenetic location: 11q22.3.
Variant type: Deletion.
Coding change: c.4087del on transcript NM_000051.4 (MANE Select); coding-DNA position 4087, one base deleted (A; older notation c.4087delA).
Protein change: p.Thr1363fs; shifts the reading frame from threonine 1363.
Molecular consequence: frameshift variant.
Genome position (GRCh38, 1-based): chr11:108,287,693, A deleted. VCF-style (leftmost placement, unchanged base first): chr11-108287692-CA-C. GRCh37 (hg19) VCF-style: chr11-108158419-CA-C.
Other names: c.4087del, p.Thr1363fs (NM_001351834.2); c.4087delA (NM_000051.3); short protein forms T1363fs.
Identifiers: ClinVar variation 453500 (VCV000453500.7), dbSNP rs1555096035, ClinGen allele CA658656282.

ClinVar aggregate classification (germline): Pathogenic (1 of 4 stars; one submission).

Conditions:
Ataxia-telangiectasia syndrome (AT). Also called: Cerebello-oculocutaneous telangiectasia; Immunodeficiency with ataxia telangiectasia; Ataxia-telangiectasia, complementation group D; AT, COMPLEMENTATION GROUP C; Ataxia-telangiectasia, complementation group E; LOUIS-BAR SYNDROME. Identifiers: Orphanet 100, MedGen C0004135, MONDO:0008840, OMIM 208900.

Submission:

Labcorp Genetics (formerly Invitae), Labcorp
Classification: Pathogenic for Ataxia-telangiectasia syndrome. Last evaluated: 2024-07-13. Review status: criteria provided, single submitter. Criteria: Invitae Variant Classification Sherloc (09022015). Collection method: clinical testing. Allele origin: germline.
Comment: This sequence change creates a premature translational stop signal (p.Thr1363Leufs*23) in the ATM gene. It is expected to result in an absent or disrupted protein product. Loss-of-function variants in ATM are known to be pathogenic (PMID: 23807571, 25614872). This variant is not present in population databases (gnomAD no frequency). This variant has not been reported in the literature in individuals affected with ATM-related conditions. ClinVar contains an entry for this variant (Variation ID: 453500). For these reasons, this variant has been classified as Pathogenic.

Literature cited by the submitters: PubMed 23807571; PubMed 25614872.